The following is an entry in ClinVar:

NM_001199107.2(TBC1D24):c.1142+6A>T

Gene: TBC1D24 (TBC1 domain family member 24; plus strand). Cytogenetic location: 16p13.3.
Variant type: single nucleotide variant.
Coding change: c.1142+6A>T on transcript NM_001199107.2 (MANE Select); 6 bases into the intron after coding-DNA position 1142, A replaced by T.
Molecular consequence: intron variant.
Genome position (GRCh38, 1-based): chr16:2,498,402, A>T. VCF-style: chr16-2498402-A-T. GRCh37 (hg19) VCF-style: chr16-2548403-A-T.
Other names: c.1124+6A>T (NM_020705.3).
Identifiers: ClinVar variation 474301 (VCV000474301.11), dbSNP rs778930581, ClinGen allele CA7844157.
Genomic context (GRCh38, chr16:2,498,402, plus strand): 5'-TGTGCCAGCCCCTTCTGCTGTTCTCCTCCCTGCAGCACGGGTACAGCCTGGCCAGGTAAC[A>T]CCCCAAGGGGCCAGAGCGGGCGGCAGAGCCGCCCAGCCACGTGTCCTGCCCACAGAGGCT-3'

ClinVar aggregate classification (germline): Uncertain significance (1 of 4 stars; one submission).

Conditions:
Developmental and epileptic encephalopathy, 1 (DEE1). Also called: X-linked infantile spasms; West's syndrome; Tonic spasms with clustering, arrest of psychomotor development and hypsarrhythmia on EEG; X-Linked Infantile Spasm Syndrome; OHTAHARA SYNDROME, X-LINKED; Epileptic encephalopathy, early infantile, 1. Identifiers: MedGen C3463992, MONDO:0010632, OMIM 308350. Disease mechanism: loss of function.
Autosomal dominant nonsyndromic hearing loss 65. Also called: Deafness, autosomal dominant 65; TBC1D24-Related Autosomal Dominant Nonsyndromic Hearing Loss (DFNA). Identifiers: Orphanet 90635, MedGen C3892048, MONDO:0014470, OMIM 616044.

Allele frequency attached by ClinVar (database versions not stated): gnomAD exomes 0.00001 and below 0.00001; TOPMed 0.00002; ExAC 0.00003; gnomAD 0.00001.
gnomAD v4.1: 3 of 1,599,598 alleles (0.00019%); highest among the groups gnomAD compares: African/African-American, 0.0027%; no homozygotes.

Submission:

Labcorp Genetics (formerly Invitae), Labcorp
Classification: Uncertain significance for Developmental and epileptic encephalopathy, 1; Autosomal dominant nonsyndromic hearing loss 65. Last evaluated: 2026-02-01. Review status: criteria provided, single submitter. Criteria: Invitae Variant Classification Sherloc (09022015). Collection method: clinical testing. Allele origin: germline.
Comment: This sequence change falls in intron 4 of the TBC1D24 gene. It does not directly change the encoded amino acid sequence of the TBC1D24 protein. It affects a nucleotide within the consensus splice site. This variant is present in population databases (rs778930581, gnomAD 0.008%). This variant has not been reported in the literature in individuals affected with TBC1D24-related conditions. ClinVar contains an entry for this variant (Variation ID: 474301). Variants that disrupt the consensus splice site are a relatively common cause of aberrant splicing (PMID: 17576681, 9536098). Algorithms developed to predict the effect of sequence changes on RNA splicing suggest that this variant is not likely to affect RNA splicing. In summary, the available evidence is currently insufficient to determine the role of this variant in disease. Therefore, it has been classified as a Variant of Uncertain Significance.

Literature cited by the submitters: PubMed 17576681; PubMed 9536098.